The following is an entry in ClinVar:

NM_207361.6(FREM2):c.4820A>G (p.Asp1607Gly)

Gene: FREM2 (FRAS1 related extracellular matrix 2; plus strand). Cytogenetic location: 13q13.3.
Variant type: single nucleotide variant.
Coding change: c.4820A>G on transcript NM_207361.6 (MANE Select); coding-DNA position 4820, A replaced by G.
Protein change: p.Asp1607Gly; replaces aspartic acid 1607 with glycine.
Molecular consequence: missense variant.
Genome position (GRCh38, 1-based): chr13:38,692,164, A>G. VCF-style: chr13-38692164-A-G. GRCh37 (hg19) VCF-style: chr13-39266301-A-G.
Other names: short protein forms D1607G.
Identifiers: ClinVar variation 4795377 (VCV004795377.1).
Genomic context (GRCh38, chr13:38,692,164, plus strand): 5'-GACCTGTCATGGTTTTTACCAAGCAAGACTTGAATGAAAACTTAATCAGCTACAAACATG[A>G]TGGCACTGAGTCAAGTGAAGATAGCTTCTCCTTCACAGTGACTGATGGCACCCATACAGA-3'
Protein context (NP_997244.4, residues 1597-1617): LNENLISYKH[Asp1607Gly]GTESSEDSFS

ClinVar aggregate classification (germline): Uncertain significance (1 of 4 stars; one submission).

gnomAD v4.1: 2 of 1,614,068 alleles (0.00012%); highest among the groups gnomAD compares: Admixed American, 0.0017%; no homozygotes.

Submission:

GeneDx
Classification: Uncertain significance. Last evaluated: 2025-08-12. Review status: criteria provided, single submitter. Criteria: GeneDx Variant Classification Process June 2021. Collection method: clinical testing. Allele origin: germline. Affected: yes.
Comment: Reported in trans with p.(R229C) in a patient with bilateral uteropelvic junction obstruction and cardiomyopathy (PMID: 24700879); In silico analysis supports that this missense variant has a deleterious effect on protein structure/function; Not observed at significant frequency in large population cohorts (gnomAD); This variant is associated with the following publications: (PMID: 24700879)